The following is an entry in ClinVar:

ClinVar aggregate classification (germline): Uncertain significance (1 of 4 stars; one submission).

Conditions:
Cardiovascular phenotype. Identifiers: MedGen CN230736.
Hereditary cancer-predisposing syndrome. Also called: Tumor predisposition; Hereditary neoplastic syndrome; Neoplastic Syndromes, Hereditary; Hereditary Cancer Syndrome. Identifiers: Orphanet 140162, MedGen C0027672, MeSH D009386, MONDO:0015356.

Submission:

Ambry Genetics
Classification: Uncertain significance for Cardiovascular phenotype; Hereditary cancer-predisposing syndrome. Last evaluated: 2025-04-20. Review status: criteria provided, single submitter. Criteria: Ambry Variant Classification Scheme 2023. Collection method: clinical testing. Allele origin: germline.
Comment: The p.P1646H variant (also known as c.4937C>A), located in coding exon 36 of the NF1 gene, results from a C to A substitution at nucleotide position 4937. The proline at codon 1646 is replaced by histidine, an amino acid with similar properties. This amino acid position is conserved. In addition, this alteration is predicted to be deleterious by in silico analysis. Based on the available evidence, the clinical significance of this variant remains unclear.

NM_001042492.3(NF1):c.5000C>A (p.Pro1667His)

Gene: NF1 (neurofibromin 1; plus strand). Cytogenetic location: 17q11.2.
Variant type: single nucleotide variant.
Coding change: c.5000C>A on transcript NM_001042492.3 (MANE Select); coding-DNA position 5000, C replaced by A.
Protein change: p.Pro1667His; replaces proline 1667 with histidine.
Molecular consequence: missense variant.
Genome position (GRCh38, 1-based): chr17:31,325,984, C>A. VCF-style: chr17-31325984-C-A. GRCh37 (hg19) VCF-style: chr17-29653002-C-A.
Other names: c.4937C>A, p.Pro1646His (NM_000267.4); short protein forms P1667H, P1646H.
Identifiers: ClinVar variation 4023825 (VCV004023825.1).